The following is an entry in ClinVar:

NM_000038.6(APC):c.5941A>G (p.Asn1981Asp)

Gene: APC (APC regulator of Wnt signaling pathway; plus strand). Cytogenetic location: 5q22.2.
Variant type: single nucleotide variant.
Coding change: c.5941A>G on transcript NM_000038.6 (MANE Select); coding-DNA position 5941, A replaced by G.
Protein change: p.Asn1981Asp; replaces asparagine 1981 with aspartic acid.
Molecular consequence: missense variant.
Genome position (GRCh38, 1-based): chr5:112,841,535, A>G. VCF-style: chr5-112841535-A-G. GRCh37 (hg19) VCF-style: chr5-112177232-A-G.
Other names: c.5941A>G, p.Asn1981Asp (NM_001127510.3, NM_001354895.2); c.5887A>G, p.Asn1963Asp (NM_001127511.3); c.5995A>G, p.Asn1999Asp (NM_001354896.2); c.5971A>G, p.Asn1991Asp (NM_001354897.2); c.5866A>G, p.Asn1956Asp (NM_001354898.2); c.5857A>G, p.Asn1953Asp (NM_001354899.2); c.5818A>G, p.Asn1940Asp (NM_001354900.2); c.5764A>G, p.Asn1922Asp (NM_001354901.2); and 5 more; short protein forms N1963D, N1981D, N1821D, N1855D, N1922D, N1991D, N1698D, N1880D.
Identifiers: ClinVar variation 629114 (VCV000629114.6), dbSNP rs1561603929, ClinGen allele CA16034333.

ClinVar aggregate classification (germline): Uncertain significance. Review status: criteria provided, multiple submitters, no conflicts (2 of 4 stars). 2 submissions from 2 submitters: Uncertain significance (2). Last evaluated 2025-01-13.

Conditions:
Hereditary cancer-predisposing syndrome. Also called: Neoplastic Syndromes, Hereditary; Tumor predisposition; Hereditary neoplastic syndrome; Hereditary Cancer Syndrome. Identifiers: Orphanet 140162, MedGen C0027672, MeSH D009386, MONDO:0015356.

Submissions (2):

Ambry Genetics
Classification: Uncertain significance for Hereditary cancer-predisposing syndrome. Last evaluated: 2025-01-13. Review status: criteria provided, single submitter. Criteria: Ambry Variant Classification Scheme 2023. Collection method: clinical testing. Allele origin: germline.
Comment: The p.N1981D variant (also known as c.5941A>G), located in coding exon 15 of the APC gene, results from an A to G substitution at nucleotide position 5941. The asparagine at codon 1981 is replaced by aspartic acid, an amino acid with highly similar properties. This amino acid position is conserved. In addition, in silico predictors for this gene do not accurately predict pathogenicity. Based on the available evidence, the clinical significance of this variant remains unclear.

Color Diagnostics, LLC DBA Color Health
Classification: Uncertain significance for Hereditary cancer-predisposing syndrome. Last evaluated: 2023-12-05. Review status: criteria provided, single submitter. Criteria: ACMG Guidelines, 2015. Collection method: clinical testing. Allele origin: germline.
Comment: This missense variant replaces asparagine with aspartic acid at codon 1981 of the APC protein. Computational prediction suggests that this variant may not impact protein structure and function (internally defined REVEL score threshold <= 0.5, PMID: 27666373). To our knowledge, functional studies have not been reported for this variant. This variant has not been reported in individuals affected with APC-related disorders in the literature. This variant has not been identified in the general population by the Genome Aggregation Database (gnomAD). The available evidence is insufficient to determine the role of this variant in disease conclusively. Therefore, this variant is classified as a Variant of Uncertain Significance.